The following is an entry in ClinVar:

ClinVar aggregate classification (germline): Uncertain significance (1 of 4 stars; one submission).

Submission:

Labcorp Genetics (formerly Invitae), Labcorp
Classification: Uncertain significance. Last evaluated: 2022-11-08. Review status: criteria provided, single submitter. Criteria: Invitae Variant Classification Sherloc (09022015). Collection method: clinical testing. Allele origin: germline.
Comment: In summary, the available evidence is currently insufficient to determine the role of this variant in disease. Therefore, it has been classified as a Variant of Uncertain Significance. Advanced modeling of protein sequence and biophysical properties (such as structural, functional, and spatial information, amino acid conservation, physicochemical variation, residue mobility, and thermodynamic stability) performed at Invitae indicates that this missense variant is not expected to disrupt NEFH protein function. This variant has not been reported in the literature in individuals affected with NEFH-related conditions. This variant is not present in population databases (gnomAD no frequency). This sequence change replaces serine, which is neutral and polar, with phenylalanine, which is neutral and non-polar, at codon 606 of the NEFH protein (p.Ser606Phe).

NM_021076.4(NEFH):c.1817C>T (p.Ser606Phe)

Gene: NEFH (neurofilament heavy chain; plus strand). Cytogenetic location: 22q12.2.
Variant type: single nucleotide variant.
Coding change: c.1817C>T on transcript NM_021076.4 (MANE Select); coding-DNA position 1817, C replaced by T.
Protein change: p.Ser606Phe; replaces serine 606 with phenylalanine.
Molecular consequence: missense variant.
Genome position (GRCh38, 1-based): chr22:29,489,457, C>T. VCF-style: chr22-29489457-C-T. GRCh37 (hg19) VCF-style: chr22-29885446-C-T.
Other names: short protein forms S606F.
Identifiers: ClinVar variation 2812780 (VCV002812780.3), dbSNP rs2517977576, ClinGen allele CA411131979.